The following is an entry in ClinVar:

ClinVar aggregate classification (germline): Likely pathogenic (1 of 4 stars; one submission).

Conditions:
Gaucher disease. Also called: Acute cerebral Gaucher disease; Cerebroside lipidosis syndrome; Gaucher splenomegaly; Sphingolipidosis 1; Glucocerebrosidosis; Glucosylceramidase deficiency. Identifiers: Orphanet 355, MedGen C0017205, MONDO:0018150.

Submission:

Natera, Inc.
Classification: Likely pathogenic for Gaucher disease. Last evaluated: 2024-10-21. Review status: criteria provided, single submitter. Criteria: Natera Variant Classification Schema (03/2026). Collection method: clinical testing. Allele origin: germline.
Comment: The c.1506-2A>C variant in GBA1 is a canonical splice acceptor site variant predicted to affect pre-mRNA splicing, which may result in an abnormal transcript and altered protein product. This variant may result in a truncated or dysfunctional protein product. This variant is rare in the general population with a frequency below the threshold expected for the associated phenotype(s). Another variant at this same site results in an alteration predicted to cause a similar molecular effect has been observed in individual(s) with the associated phenotype. Given the available evidence, this variant is classified as Likely Pathogenic.

NM_000157.4(GBA1):c.1506-2A>C

Genes: GBA1 (glucosylceramidase beta 1; minus strand), LOC106627981 (GBA recombination region; plus strand). Cytogenetic location: 1q22.
Variant type: single nucleotide variant.
Coding change: c.1506-2A>C on transcript NM_000157.4 (MANE Select); the canonical splice acceptor site of the intron before coding-DNA position 1506, A replaced by C.
Molecular consequence: splice acceptor variant.
Genome position (GRCh38, 1-based): chr1:155,235,102, T>G on the plus strand (A>C on the coding strand, the complement: GBA1 is on the minus strand). VCF-style: chr1-155235102-T-G. GRCh37 (hg19) VCF-style: chr1-155204893-T-G.
Other names: c.1245-2A>C (NM_001171811.2); c.1506-2A>C (NM_001005742.3, NM_001005741.3); c.1359-2A>C (NM_001171812.2).
Identifiers: ClinVar variation 4817733 (VCV004817733.1).
Genomic context (GRCh38, chr1:155,235,102, plus strand): 5'-TTGTCTCCAGGAAGCCCACAGCAGGATCCTTGATGGTAAGAGGCACATCCTTAGAGGAGC[T>G]AGGGAGCAGGGAGGAGAAGCTGAGAGTGTGATCCTGCCAAGGCCCCCAACGCTGTCTTCA-3'